The following is an entry in ClinVar:

NM_002470.4(MYH3):c.204+2_204+5dup

Gene: MYH3 (myosin heavy chain 3; minus strand). Cytogenetic location: 17p13.1.
Variant type: Duplication.
Coding change: c.204+2_204+5dup on transcript NM_002470.4 (MANE Select); the canonical splice donor site of the intron after coding-DNA position 204 through 5 bases into the intron after coding-DNA position 204, 4 bases duplicated (TAAG; older notation c.204+2_204+5dupTAAG).
Molecular consequence: splice donor variant.
Genome position (GRCh38, 1-based): chr17:10,654,856-10,654,859, CTTA duplicated on the plus strand (TAAG on the coding strand, the reverse complement: MYH3 is on the minus strand); duplicating any 4 consecutive bases within chr17:10,654,856-10,654,860 gives the same sequence; the c. name uses the placement nearest the transcript's 3' end. VCF-style (leftmost placement, unchanged base first): chr17-10654855-C-CCTTA. GRCh37 (hg19) VCF-style: chr17-10558172-C-CCTTA.
Identifiers: ClinVar variation 1949858 (VCV001949858.5), dbSNP rs2508654568, ClinGen allele CA2580092519.

ClinVar aggregate classification (germline): Uncertain significance (1 of 4 stars; one submission).

Submission:

Labcorp Genetics (formerly Invitae), Labcorp
Classification: Uncertain significance. Last evaluated: 2022-07-07. Review status: criteria provided, single submitter. Criteria: Invitae Variant Classification Sherloc (09022015). Collection method: clinical testing. Allele origin: germline.
Comment: In summary, the available evidence is currently insufficient to determine the role of this variant in disease. Therefore, it has been classified as a Variant of Uncertain Significance. Variants that disrupt the consensus splice site are a relatively common cause of aberrant splicing (PMID: 17576681, 9536098). Algorithms developed to predict the effect of sequence changes on RNA splicing suggest that this variant is not likely to affect RNA splicing. This variant has not been reported in the literature in individuals affected with MYH3-related conditions. This variant is not present in population databases (gnomAD no frequency). This sequence change falls in intron 3 of the MYH3 gene. It does not directly change the encoded amino acid sequence of the MYH3 protein. It affects a nucleotide within the consensus splice site.

Literature cited by the submitters: PubMed 17576681; PubMed 9536098.